The following is an entry in ClinVar:

NM_014974.3(DIP2C):c.3109+5A>G

Gene: DIP2C (DIP2 acetate--CoA ligase C (putative); minus strand). Cytogenetic location: 10p15.3.
Variant type: single nucleotide variant.
Coding change: c.3109+5A>G on transcript NM_014974.3 (MANE Select); 5 bases into the intron after coding-DNA position 3109, A replaced by G.
Molecular consequence: intron variant.
Genome position (GRCh38, 1-based): chr10:349,326, T>C on the plus strand (A>G on the coding strand, the complement: DIP2C is on the minus strand). VCF-style: chr10-349326-T-C. GRCh37 (hg19) VCF-style: chr10-395266-T-C.
Other names: c.3109+5A>G (NM_014974.2).
Identifiers: ClinVar variation 1545970 (VCV001545970.11), dbSNP rs4880611, ClinGen allele CA5380138.

ClinVar aggregate classification (germline): Benign. Review status: criteria provided, multiple submitters, no conflicts (2 of 4 stars). 3 submissions from 3 submitters: Benign (2). 1 of the submissions does not count toward it. Last evaluated 2026-02-04.

Conditions:
DIP2C-related disorder. Also called: DIP2C-related condition.

Allele frequency attached by ClinVar (database versions not stated): ESP Exome Variant Server 0.97647; TOPMed 0.97806; gnomAD 0.97976 and 0.98118; 1000 Genomes Project 30x 0.97705; 1000 Genomes Project 0.98063; ExAC 0.99376; gnomAD exomes 0.99806.
gnomAD v4.1: 1,596,101 of 1,601,950 alleles (100%); highest among the groups gnomAD compares: East Asian, 100%; 795,285 homozygotes.

Submissions (3):

Labcorp Genetics (formerly Invitae), Labcorp
Classification: Benign. Last evaluated: 2026-02-04. Review status: criteria provided, single submitter. Criteria: Invitae Variant Classification Sherloc (09022015). Collection method: clinical testing. Allele origin: germline.

Breakthrough Genomics
Classification: Benign. Review status: criteria provided, single submitter. Criteria: ACMG Guidelines, 2015. Collection method: not provided. Allele origin: germline. Inheritance: Unknown mechanism. Affected: yes.

PreventionGenetics, part of Exact Sciences
Classification: Benign for DIP2C-related condition. Last evaluated: 2019-11-07. Review status: no assertion criteria provided. Collection method: clinical testing. Allele origin: germline. Not counted in ClinVar's aggregate classification.
Comment: This variant is classified as benign based on ACMG/AMP sequence variant interpretation guidelines (Richards et al. 2015 PMID: 25741868, with internal and published modifications).